The following is an entry in ClinVar:

NM_005477.3(HCN4):c.1209+4A>G

Genes: HCN4 (hyperpolarization activated cyclic nucleotide gated potassium channel 4; minus strand), LOC105370890 (uncharacterized LOC105370890; plus strand). Cytogenetic location: 15q24.1.
Variant type: single nucleotide variant.
Coding change: c.1209+4A>G on transcript NM_005477.3 (MANE Select); 4 bases into the intron after coding-DNA position 1209, A replaced by G.
Molecular consequence: intron variant.
Genome position (GRCh38, 1-based): chr15:73,343,381, T>C on the plus strand (A>G on the coding strand, the complement: HCN4 is on the minus strand). VCF-style: chr15-73343381-T-C. GRCh37 (hg19) VCF-style: chr15-73635722-T-C.
Identifiers: ClinVar variation 1017092 (VCV001017092.5), dbSNP rs2043015976, ClinGen allele CA2187179703.

ClinVar aggregate classification (germline): Uncertain significance. Review status: criteria provided, multiple submitters, no conflicts (2 of 4 stars). 2 submissions from 2 submitters: Uncertain significance (2). Last evaluated 2021-10-28.

Conditions:
Sick sinus syndrome 2, autosomal dominant (SSS2). Also called: SINUS BRADYCARDIA SYNDROME, FAMILIAL, AUTOSOMAL DOMINANT; SINUS NODE DISEASE, FAMILIAL, AUTOSOMAL DOMINANT; SICK SINUS SYNDROME 2; SICK SINUS SYNDROME 2 WITH OR WITHOUT CARDIAC NONCOMPACTION AND/OR ASCENDING AORTA DILATION; ATRIAL FIBRILLATION WITH BRADYARRHYTHMIA. Identifiers: Orphanet 166282, MedGen C1834144, MONDO:0008102, OMIM 163800.
Epilepsy, idiopathic generalized, susceptibility to, 18. Identifiers: MedGen C5561983, MONDO:0030434, OMIM 619521.
Brugada syndrome 8 (BRGDA8). Identifiers: Orphanet 130, MedGen C2751083, MONDO:0013148, OMIM 613123.

Allele frequency attached by ClinVar (database versions not stated): gnomAD exomes 0.00001.
gnomAD v4.1: 3 of 1,613,918 alleles (0.00019%); highest among the groups gnomAD compares: East Asian, 0.0022%; no homozygotes.

Submissions (2):

Fulgent Genetics
Classification: Uncertain significance for Sick sinus syndrome 2, autosomal dominant; Brugada syndrome 8; Epilepsy, idiopathic generalized, susceptibility to, 18. Last evaluated: 2021-10-28. Review status: criteria provided, single submitter. Criteria: ACMG Guidelines, 2015. Collection method: clinical testing. Allele origin: unknown.

Labcorp Genetics (formerly Invitae), Labcorp
Classification: Uncertain significance for Brugada syndrome 8. Last evaluated: 2020-06-06. Review status: criteria provided, single submitter. Criteria: Invitae Variant Classification Sherloc (09022015). Collection method: clinical testing. Allele origin: germline.
Comment: This sequence change falls in intron 2 of the HCN4 gene. It does not directly change the encoded amino acid sequence of the HCN4 protein, but it affects a nucleotide within the consensus splice site of the intron. This variant is not present in population databases (ExAC no frequency). This variant has not been reported in the literature in individuals with HCN4-related conditions. Nucleotide substitutions within the consensus splice site are a relatively common cause of aberrant splicing (PMID: 17576681, 9536098). Algorithms developed to predict the effect of sequence changes on RNA splicing suggest that this variant is not likely to affect RNA splicing, but this prediction has not been confirmed by published transcriptional studies. In summary, the available evidence is currently insufficient to determine the role of this variant in disease. Therefore, it has been classified as a Variant of Uncertain Significance.

Literature cited by the submitters: PubMed 17576681 (cited by Labcorp Genetics (formerly Invitae), Labcorp); PubMed 9536098 (cited by Labcorp Genetics (formerly Invitae), Labcorp).